The following is an entry in ClinVar:

ClinVar aggregate classification (germline): Uncertain significance. Review status: criteria provided, multiple submitters, no conflicts (2 of 4 stars). 2 submissions from 2 submitters: Uncertain significance (2). Last evaluated 2024-05-01.

Allele frequency attached by ClinVar (database versions not stated): gnomAD 0.00001; gnomAD exomes 0.00001; TOPMed 0.00001.
gnomAD v4.1: 13 of 1,613,860 alleles (0.00081%); highest among the groups gnomAD compares: East Asian, 0.0022%; no homozygotes.

Submissions (2):

CeGaT Center for Human Genetics Tuebingen
Classification: Uncertain significance. Last evaluated: 2024-05-01. Review status: criteria provided, single submitter. Criteria: CeGaT Center For Human Genetics Tuebingen Variant Classification Criteria Version 2. Collection method: clinical testing. Allele origin: germline. Affected: yes. Observed: 1 variant allele.
Comment: CHD8: PM2, PP2

GeneDx
Classification: Uncertain significance. Last evaluated: 2022-06-28. Review status: criteria provided, single submitter. Criteria: GeneDx Variant Classification Process June 2021. Collection method: clinical testing. Allele origin: germline. Affected: yes.
Comment: Identified in an individual with a neurodevelopmental disorder, but segregation and detailed clinical information was not provided (Wang et al., 2020); Not observed in large population cohorts (gnomAD); In silico analysis supports that this missense variant has a deleterious effect on protein structure/function; This variant is associated with the following publications: (PMID: 33004838)

NM_001170629.2(CHD8):c.5314C>T (p.Arg1772Cys)

Gene: CHD8 (chromodomain helicase DNA binding protein 8; minus strand). Cytogenetic location: 14q11.2.
Variant type: single nucleotide variant.
Coding change: c.5314C>T on transcript NM_001170629.2 (MANE Select); coding-DNA position 5314, C replaced by T.
Protein change: p.Arg1772Cys; replaces arginine 1772 with cysteine.
Molecular consequence: missense variant.
Genome position (GRCh38, 1-based): chr14:21,394,988, G>A on the plus strand (C>T on the coding strand, the complement: CHD8 is on the minus strand). VCF-style: chr14-21394988-G-A. GRCh37 (hg19) VCF-style: chr14-21863147-G-A.
Other names: c.4477C>T, p.Arg1493Cys (NM_020920.4); short protein forms R1493C, R1772C.
Identifiers: ClinVar variation 1693366 (VCV001693366.21), dbSNP rs1286064384, ClinGen allele CA388884033.
Genomic context (GRCh38, chr14:21,394,988, plus strand): 5'-GCCGTGCAATTTCTTTCAGCTTGAAGGCTGCTTCACAACGCCGCCTTCGCCGGTCCCCAC[G>A]TTCTGCAGCCTCTATCTTCATTTGTTCTCTCTTGTAGCTGCGCTGATACGCTGTTACTAG-3'
Protein context (NP_001164100.1, residues 1762-1782): REQMKIEAAE[Arg1772Cys]GDRRRRRCEA